The following is an entry in ClinVar:

NM_000391.4(TPP1):c.1515A>G (p.Pro505=)

Gene: TPP1 (tripeptidyl peptidase 1; minus strand). Cytogenetic location: 11p15.4.
Variant type: single nucleotide variant.
Coding change: c.1515A>G on transcript NM_000391.4 (MANE Select); coding-DNA position 1515, A replaced by G.
Protein change: p.Pro505=; no amino-acid change (proline 505 retained).
Molecular consequence: synonymous variant.
Genome position (GRCh38, 1-based): chr11:6,614,902, T>C on the plus strand (A>G on the coding strand, the complement: TPP1 is on the minus strand). VCF-style: chr11-6614902-T-C. GRCh37 (hg19) VCF-style: chr11-6636133-T-C.
Identifiers: ClinVar variation 382118 (VCV000382118.1), dbSNP rs1057521257, ClinGen allele CA16606282.

ClinVar aggregate classification (germline): Likely benign (1 of 4 stars; one submission).

Submission:

GeneDx
Classification: Likely benign. Last evaluated: 2015-12-07. Review status: criteria provided, single submitter. Criteria: GeneDx Variant Classification (06012015). Collection method: clinical testing. Allele origin: germline. Affected: yes.
Comment: This variant is considered likely benign or benign based on one or more of the following criteria: it is a conservative change, it occurs at a poorly conserved position in the protein, it is predicted to be benign by multiple in silico algorithms, and/or has population frequency not consistent with disease.